The following is an entry in ClinVar:

NM_001127222.2(CACNA1A):c.6591G>T (p.Gln2197His)

Gene: CACNA1A (calcium voltage-gated channel subunit alpha1 A; minus strand). Cytogenetic location: 19p13.13.
Variant type: single nucleotide variant.
Coding change: c.6591G>T on transcript NM_001127222.2 (MANE Select); coding-DNA position 6591, G replaced by T.
Protein change: p.Gln2197His; replaces glutamine 2197 with histidine.
Molecular consequence: missense variant.
Genome position (GRCh38, 1-based): chr19:13,208,945, C>A on the plus strand (G>T on the coding strand, the complement: CACNA1A is on the minus strand). VCF-style: chr19-13208945-C-A. GRCh37 (hg19) VCF-style: chr19-13319759-C-A.
Other names: c.6609G>T, p.Gln2203His (NM_000068.4, NM_023035.3); c.6594G>T, p.Gln2198His (NM_001127221.2); c.6600G>T, p.Gln2200His (NM_001174080.2); short protein forms Q2197H, Q2198H, Q2200H, Q2203H.
Identifiers: ClinVar variation 935426 (VCV000935426.10), dbSNP rs2054692765, ClinGen allele CA404330562.

ClinVar aggregate classification (germline): Uncertain significance (1 of 4 stars; one submission).

Conditions:
Developmental and epileptic encephalopathy, 42 (DEE42A). Also called: DEVELOPMENTAL AND EPILEPTIC ENCEPHALOPATHY 42A; EPILEPTIC ENCEPHALOPATHY, EARLY INFANTILE, 42A; Epileptic encephalopathy, early infantile, 42. Identifiers: MedGen C4310716, MONDO:0014917, OMIM 617106.
Episodic ataxia type 2 (EA2). Also called: CEREBELLAR ATAXIA, PAROXYSMAL, ACETAZOLAMIDE-RESPONSIVE; CEREBELLOPATHY, HEREDITARY PAROXYSMAL; EPISODIC ATAXIA, NYSTAGMUS-ASSOCIATED; ACETAZOLAMIDE-RESPONSIVE HEREDITARY PAROXYSMAL CEREBELLAR ATAXIA; ATAXIA, EPISODIC, WITH NYSTAGMUS; ATAXIA, FAMILIAL PAROXYSMAL. Identifiers: Orphanet 97, MedGen C1720416, MONDO:0007163, OMIM 108500.

Submission:

Labcorp Genetics (formerly Invitae), Labcorp
Classification: Uncertain significance for Developmental and epileptic encephalopathy, 42; Episodic ataxia type 2. Last evaluated: 2019-10-14. Review status: criteria provided, single submitter. Criteria: Invitae Variant Classification Sherloc (09022015). Collection method: clinical testing. Allele origin: germline.
Comment: In summary, the available evidence is currently insufficient to determine the role of this variant in disease. Therefore, it has been classified as a Variant of Uncertain Significance. Algorithms developed to predict the effect of missense changes on protein structure and function are either unavailable or do not agree on the potential impact of this missense change (SIFT: "Deleterious"; PolyPhen-2: "Possibly Damaging"; Align-GVGD: "Class C0"). This variant has not been reported in the literature in individuals with CACNA1A-related conditions. This variant is not present in population databases (ExAC no frequency). This sequence change replaces glutamine with histidine at codon 2198 of the CACNA1A protein (p.Gln2198His). The glutamine residue is weakly conserved and there is a small physicochemical difference between glutamine and histidine.